The following is an entry in ClinVar:

NM_000833.5(GRIN2A):c.-215G>C

Gene: GRIN2A (glutamate ionotropic receptor NMDA type subunit 2A; minus strand). Cytogenetic location: 16p13.2.
Variant type: single nucleotide variant.
Coding change: c.-215G>C on transcript NM_000833.5; 215 bases upstream of the start codon, G replaced by C.
Molecular consequence: 5 prime UTR variant.
Genome position (GRCh38, 1-based): chr16:10,182,659, C>G on the plus strand (G>C on the coding strand, the complement: GRIN2A is on the minus strand). VCF-style: chr16-10182659-C-G. GRCh37 (hg19) VCF-style: chr16-10276516-C-G.
Identifiers: ClinVar variation 373504 (VCV000373504.3), dbSNP rs1057518450, ClinGen allele CA16043050.

ClinVar aggregate classification (germline): Likely benign (1 of 4 stars; one submission).

Allele frequency attached by ClinVar (database versions not stated): TOPMed below 0.00001.

Submission:

GeneDx
Classification: Likely benign. Last evaluated: 2016-11-30. Review status: criteria provided, single submitter. Criteria: GeneDx Variant Classification (06012015). Collection method: clinical testing. Allele origin: germline. Affected: yes.
Comment: This variant is considered likely benign or benign based on one or more of the following criteria: it is a conservative change, it occurs at a poorly conserved position in the protein, it is predicted to be benign by multiple in silico algorithms, and/or has population frequency not consistent with disease.